The following is an entry in ClinVar:

NM_001160372.4(TRAPPC9):c.1281C>T (p.Ala427=)

Gene: TRAPPC9 (trafficking protein particle complex subunit 9; minus strand). Cytogenetic location: 8q24.3.
Variant type: single nucleotide variant.
Coding change: c.1281C>T on transcript NM_001160372.4 (MANE Select); coding-DNA position 1281, C replaced by T.
Protein change: p.Ala427=; no amino-acid change (alanine 427 retained).
Molecular consequence: synonymous variant. On other transcripts: non-coding transcript variant (1).
Genome position (GRCh38, 1-based): chr8:140,371,034, G>A on the plus strand (C>T on the coding strand, the complement: TRAPPC9 is on the minus strand). VCF-style: chr8-140371034-G-A. GRCh37 (hg19) VCF-style: chr8-141381133-G-A.
Other names: c.1254C>T, p.Ala418= (NM_001321646.2); c.1302C>T, p.Ala434= (NM_001374682.1); c.1281C>T, p.Ala427= (NM_001374683.1, NM_001374684.1, NM_031466.8); c.1575C>T (NM_031466.7).
Identifiers: ClinVar variation 1299132 (VCV001299132.40), dbSNP rs545979845, ClinGen allele CA4893499.
Genomic context (GRCh38, chr8:140,371,034, plus strand): 5'-ATCTTTGGGATCCAGCGACAGACTGTAGCCGGGCAGCGTTTCCAGGAGGAGTTTGTAGCA[G>A]GCCCTCCACCCAGGCTCCGCGATGCTTGGGGCCACGCACTGCATGGCGGCCACGCGCTTG-3'
Protein context (NP_001153844.1, residues 417-437): APSIAEPGWR[Ala427=]CYKLLLETLP

ClinVar aggregate classification (germline): Likely benign. Review status: criteria provided, multiple submitters, no conflicts (2 of 4 stars). 3 submissions from 3 submitters: Likely benign (2). 1 of the submissions does not count toward it. Last evaluated 2025-10-28.

Conditions:
TRAPPC9-related disorder. Also called: TRAPPC9-related condition.

Allele frequency attached by ClinVar (database versions not stated): gnomAD 0.00007; 1000 Genomes Project 30x 0.00016; ExAC 0.00018; 1000 Genomes Project 0.00020.
gnomAD v4.1: 130 of 1,614,260 alleles (0.0081%); highest among the groups gnomAD compares: South Asian, 0.13%; no homozygotes.

Submissions (3):

Labcorp Genetics (formerly Invitae), Labcorp
Classification: Likely benign. Last evaluated: 2025-10-28. Review status: criteria provided, single submitter. Criteria: Invitae Variant Classification Sherloc (09022015). Collection method: clinical testing. Allele origin: germline.

CeGaT Center for Human Genetics Tuebingen
Classification: Likely benign. Last evaluated: 2021-07-01. Review status: criteria provided, single submitter. Criteria: CeGaT Center For Human Genetics Tuebingen Variant Classification Criteria Version 2. Collection method: clinical testing. Allele origin: germline. Affected: yes. Observed: 1 variant allele.

PreventionGenetics, part of Exact Sciences
Classification: Likely benign for TRAPPC9-related condition. Last evaluated: 2019-03-27. Review status: no assertion criteria provided. Collection method: clinical testing. Allele origin: germline. Not counted in ClinVar's aggregate classification.
Comment: This variant is classified as likely benign based on ACMG/AMP sequence variant interpretation guidelines (Richards et al. 2015 PMID: 25741868, with internal and published modifications).